The following is an entry in ClinVar:

NM_001122955.4(BSCL2):c.461C>G (p.Ser154Trp)

Genes: BSCL2 (BSCL2 lipid droplet biogenesis associated, seipin; minus strand), HNRNPUL2-BSCL2 (HNRNPUL2-BSCL2 readthrough (NMD candidate); minus strand). Cytogenetic location: 11q12.3.
Variant type: single nucleotide variant.
Coding change: c.461C>G on transcript NM_001122955.4 (MANE Select); coding-DNA position 461, C replaced by G.
Protein change: p.Ser154Trp; replaces serine 154 with tryptophan.
Molecular consequence: missense variant. On other transcripts: non-coding transcript variant (1).
Genome position (GRCh38, 1-based): chr11:62,702,493, G>C on the plus strand (C>G on the coding strand, the complement: BSCL2 is on the minus strand). VCF-style: chr11-62702493-G-C. GRCh37 (hg19) VCF-style: chr11-62469965-G-C.
Other names: c.269C>G, p.Ser90Trp (NM_001130702.2, NM_032667.6); c.461C>G, p.Ser154Trp (NM_001386027.1, NM_001386028.1); short protein forms S154W, S90W.
Identifiers: ClinVar variation 476810 (VCV000476810.14), dbSNP rs137852973, ClinGen allele CA380968385.

ClinVar aggregate classification (germline): Pathogenic. Review status: criteria provided, multiple submitters, no conflicts (2 of 4 stars). 6 submissions from 6 submitters: Pathogenic (2). 4 of the submissions do not count toward it. Last evaluated 2023-07-31.

Conditions:
Neuronopathy, distal hereditary motor, type 5C. Also called: DHMN VC; NEURONOPATHY, DISTAL HEREDITARY MOTOR, HARDING TYPE VC; NEUROPATHY, DISTAL HEREDITARY MOTOR, HARDING TYPE VC; SPINAL MUSCULAR ATROPHY, DISTAL, HARDING TYPE VC; NEURONOPATHY, DISTAL HEREDITARY MOTOR, AUTOSOMAL DOMINANT 13. Identifiers: MedGen C5436838, MONDO:0030860, OMIM 619112.
Charcot-Marie-Tooth disease type 2. Also called: Charcot-Marie-Tooth type 2. Identifiers: Orphanet 64746, MedGen C0270914, MONDO:0018993.
Berardinelli-Seip congenital lipodystrophy. Identifiers: Orphanet 528, MedGen CN262437, MONDO:0018883.
Hereditary spastic paraplegia 17. Also called: SPASTIC PARAPLEGIA WITH AMYOTROPHY OF HANDS AND FEET; Silver spastic paraplegia syndrome; Spastic Paraplegia 17; Autosomal dominant spastic paraplegia type 17; Silver Syndrome. Identifiers: Orphanet 100998, MedGen C2931276, MONDO:0010043, OMIM 270685.
Charcot-Marie-Tooth disease. Also called: Charcot-Marie-Tooth Neuropathy; Charcot-Marie-Tooth Hereditary Neuropathy. Identifiers: Orphanet 166, MedGen C0007959, MONDO:0015626.

Submissions (6):

Kariminejad - Najmabadi Pathology & Genetics Center
Classification: Pathogenic for Neuronopathy, distal hereditary motor, type 5C. Last evaluated: 2023-07-31. Review status: criteria provided, single submitter. Criteria: ACMG Guidelines, 2015. Collection method: clinical testing. Allele origin: germline. Inheritance: Autosomal dominant inheritance. Affected: yes.
Comment: PP5_strong, PM2_moderate, PP3_moderate, PM1_supporting, PM5_supporting,

Labcorp Genetics (formerly Invitae), Labcorp
Classification: Pathogenic for Charcot-Marie-Tooth disease type 2. Last evaluated: 2022-06-09. Review status: criteria provided, single submitter. Criteria: Invitae Variant Classification Sherloc (09022015). Collection method: clinical testing. Allele origin: germline.
Comment: For these reasons, this variant has been classified as Pathogenic. This variant is not present in population databases (gnomAD no frequency). This sequence change replaces serine, which is neutral and polar, with tryptophan, which is neutral and slightly polar, at codon 90 of the BSCL2 protein (p.Ser90Trp). This missense change has been observed in individual(s) with Charcot-Marie-Tooth disease type 2 (PMID: 23142943). It has also been observed to segregate with disease in related individuals. ClinVar contains an entry for this variant (Variation ID: 476810). Advanced modeling of protein sequence and biophysical properties (such as structural, functional, and spatial information, amino acid conservation, physicochemical variation, residue mobility, and thermodynamic stability) performed at Invitae indicates that this missense variant is expected to disrupt BSCL2 protein function. This variant disrupts the p.Ser90 amino acid residue in BSCL2. Other variant(s) that disrupt this residue have been determined to be pathogenic (PMID: 17387721, 17486577, 20806400, 21957196, 24604904, 25487175, 26815532, 27549087). This suggests that this residue is clinically significant, and that variants that disrupt this residue are likely to be disease-causing.

OMIM
Classification: Pathogenic for NEURONOPATHY, DISTAL HEREDITARY MOTOR, AUTOSOMAL DOMINANT 13. Last evaluated: 2023-10-16. Review status: no assertion criteria provided. Collection method: literature only. Allele origin: germline. Not counted in ClinVar's aggregate classification.

Inherited Neuropathy Consortium Ii, University Of Miami
Classification: Uncertain significance for Berardinelli-Seip congenital lipodystrophy. Last evaluated: 2016-01-06. Review status: no assertion criteria provided. Collection method: literature only. Allele origin: germline. Affected: yes. Not counted in ClinVar's aggregate classification.

GeneReviews
No classification provided. Condition: Hereditary spastic paraplegia 17. Review status: no classification provided. Collection method: literature only. Allele origin: germline. Not counted in ClinVar's aggregate classification.

Inherited Neuropathy Consortium
Classification: Uncertain significance for Charcot-Marie-Tooth disease. Review status: no assertion criteria provided. Collection method: literature only. Allele origin: germline. Affected: yes. Not counted in ClinVar's aggregate classification.

Literature cited by the submitters: PubMed 23142943 (cited by 3 submitters); PubMed 17387721 (cited by Labcorp Genetics (formerly Invitae), Labcorp); PubMed 17486577 (cited by Labcorp Genetics (formerly Invitae), Labcorp); PubMed 20806400 (cited by Labcorp Genetics (formerly Invitae), Labcorp); PubMed 21957196 (cited by Labcorp Genetics (formerly Invitae), Labcorp); PubMed 24604904 (cited by Labcorp Genetics (formerly Invitae), Labcorp); PubMed 25487175 (cited by Labcorp Genetics (formerly Invitae), Labcorp); PubMed 26815532 (cited by Labcorp Genetics (formerly Invitae), Labcorp); PubMed 27549087 (cited by Labcorp Genetics (formerly Invitae), Labcorp); PubMed 24451228 (cited by Inherited Neuropathy Consortium Ii, University Of Miami).